The following is an entry in ClinVar:

ClinVar aggregate classification (germline): Uncertain significance (1 of 4 stars; one submission).

Allele frequency attached by ClinVar (database versions not stated): gnomAD exomes below 0.00001; TOPMed below 0.00001.
gnomAD v4.1: 2 of 1,599,284 alleles (0.00013%); highest among the groups gnomAD compares: Non-Finnish European, 0.00017%; no homozygotes.

Submission:

Labcorp Genetics (formerly Invitae), Labcorp
Classification: Uncertain significance. Last evaluated: 2021-08-24. Review status: criteria provided, single submitter. Criteria: Invitae Variant Classification Sherloc (09022015). Collection method: clinical testing. Allele origin: germline.
Comment: This sequence change replaces tyrosine with cysteine at codon 231 of the SLC6A19 protein (p.Tyr231Cys). The tyrosine residue is moderately conserved and there is a large physicochemical difference between tyrosine and cysteine. This variant is not present in population databases (ExAC no frequency). This variant has not been reported in the literature in individuals affected with SLC6A19-related conditions. Algorithms developed to predict the effect of missense changes on protein structure and function are either unavailable or do not agree on the potential impact of this missense change (SIFT: "Deleterious"; PolyPhen-2: "Probably Damaging"; Align-GVGD: "Class C0"). In summary, the available evidence is currently insufficient to determine the role of this variant in disease. Therefore, it has been classified as a Variant of Uncertain Significance.

NM_001003841.3(SLC6A19):c.692A>G (p.Tyr231Cys)

Gene: SLC6A19 (solute carrier family 6 member 19; plus strand). Cytogenetic location: 5p15.33.
Variant type: single nucleotide variant.
Coding change: c.692A>G on transcript NM_001003841.3 (MANE Select); coding-DNA position 692, A replaced by G.
Protein change: p.Tyr231Cys; replaces tyrosine 231 with cysteine.
Molecular consequence: missense variant.
Genome position (GRCh38, 1-based): chr5:1,213,491, A>G. VCF-style: chr5-1213491-A-G. GRCh37 (hg19) VCF-style: chr5-1213606-A-G.
Other names: short protein forms Y231C.
Identifiers: ClinVar variation 1382687 (VCV001382687.5), dbSNP rs981955015, ClinGen allele CA112941447.